The following is an entry in ClinVar:

NM_002887.4(RARS1):c.1662_1663delinsTT (p.Met554_Leu555delinsIlePhe)

Gene: RARS1 (arginyl-tRNA synthetase 1; plus strand). Cytogenetic location: 5q34.
Variant type: Indel.
Coding change: c.1662_1663delinsTT on transcript NM_002887.4 (MANE Select); coding-DNA positions 1662 to 1663, GC replaced by TT.
Protein change: p.Met554_Leu555delinsIlePhe.
Molecular consequence: missense variant.
Genome position (GRCh38, 1-based): chr5:168,517,851-168,517,852, GC replaced by TT. VCF-style: chr5-168517851-GC-TT. GRCh37 (hg19) VCF-style: chr5-167944856-GC-TT.
Other names: p.Met554_Leu555delinsIlePhe; c.1662_1663delGCinsTT (NM_002887.4).
Identifiers: ClinVar variation 2445983 (VCV002445983.2), dbSNP rs2533404395, ClinGen allele CA2580074008.
Genomic context (GRCh38, chr5:168,517,851, plus strand): 5'-GATGATTTTTTTGTTTTTTTTAAGGTCTATTGCACGTCTGGCCAATATTGATGAAGAAAT[GC>TT]TCCAAAAAGCTGCTCGAGAAACCAAGATTCTTTTGGATCATGAGAAGGAATGGAAACTAG-3'

ClinVar aggregate classification (germline): Uncertain significance (1 of 4 stars; one submission).

Conditions:
Leukodystrophy, hypomyelinating, 9. Identifiers: Orphanet 438114, MedGen C4015323, MONDO:0014506, OMIM 616140.

Submission:

Foundation for Research in Genetics and Endocrinology, FRIGE's Institute of Human Genetics
Classification: Uncertain significance for Leukodystrophy, hypomyelinating, 9. Review status: criteria provided, single submitter. Criteria: ACMG Guidelines, 2015. Collection method: clinical testing. Allele origin: germline. Inheritance: Autosomal recessive inheritance. Affected: yes. Observed: 1 heterozygote.
Comment: A heterozygous missense variation in exon 14 of the RARS1 gene that results in the amino acid substitution of Isoleucine for Methionine at codon 554 and Phenylalanine for Leucine at codon 55 was detected . The variant has not been reported in the 1000 genomes, gnomAD and our internal databases. The reference region is conserved across species. In summary, the variant meets our criteria to be classified as a variant of uncertain significance.